The following is an entry in ClinVar:

ClinVar aggregate classification (germline): Uncertain significance (1 of 4 stars; one submission).

Conditions:
Left ventricular noncompaction 1 (LVNC1). Also called: LEFT VENTRICULAR NONCOMPACTION 1 WITH OR WITHOUT CONGENITAL HEART DEFECTS. Identifiers: Orphanet 54260, MedGen C1858725, MONDO:0011403, OMIM 604169.

Submission:

Labcorp Genetics (formerly Invitae), Labcorp
Classification: Uncertain significance for Left ventricular noncompaction 1. Last evaluated: 2024-01-08. Review status: criteria provided, single submitter. Criteria: Invitae Variant Classification Sherloc (09022015). Collection method: clinical testing. Allele origin: germline.
Comment: This sequence change affects a donor splice site in intron 14 of the DTNA gene. It is expected to disrupt RNA splicing. Variants that disrupt the donor or acceptor splice site typically lead to a loss of protein function (PMID: 16199547), however the current clinical and genetic evidence is not sufficient to establish whether loss-of-function variants in DTNA cause disease. This variant is not present in population databases (gnomAD no frequency). This variant has not been reported in the literature in individuals affected with DTNA-related conditions. Algorithms developed to predict the effect of sequence changes on RNA splicing suggest that this variant may disrupt the consensus splice site. In summary, the available evidence is currently insufficient to determine the role of this variant in disease. Therefore, it has been classified as a Variant of Uncertain Significance.

Literature cited by the submitters: PubMed 16199547.

NM_001386795.1(DTNA):c.1532+1G>T

Gene: DTNA (dystrobrevin alpha; plus strand). Cytogenetic location: 18q12.1.
Variant type: single nucleotide variant.
Coding change: c.1532+1G>T on transcript NM_001386795.1 (MANE Select); the canonical splice donor site of the intron after coding-DNA position 1532, G replaced by T.
Molecular consequence: splice donor variant.
Genome position (GRCh38, 1-based): chr18:34,851,929, G>T. VCF-style: chr18-34851929-G-T. GRCh37 (hg19) VCF-style: chr18-32431893-G-T.
Other names: c.1361+1G>T (NM_001386754.1, NM_001386755.1, NM_001386757.1 and 4 more transcripts); c.1358+1G>T (NM_001386760.1); c.1271+1G>T (NM_001386763.1, NM_001386764.1, NM_001386771.1 and 9 more transcripts); c.1268+1G>T (NM_001386768.1, NM_001386773.1, NM_001386769.1 and 1 more transcripts); c.1280+1G>T (NM_032979.5, NM_032975.4, NM_001386761.1); c.701+1G>T (NM_001198945.2); c.1532+1G>T (NM_001386788.1); c.1277+1G>T (NM_001386762.1); and 7 more.
Identifiers: ClinVar variation 2708263 (VCV002708263.3), dbSNP rs2519795235, ClinGen allele CA402174788.
Genomic context (GRCh38, chr18:34,851,929, plus strand): 5'-CACCATCGATGCGAATAAGCAGCAAAGGCAGCTGATTGCTGAGCTAGAAAACAAGAACAG[G>T]TGAGACTTTGTAGACGTGCTGGCTTGTTTGATCAATGTGCGCATTCCTTAATAAACTATG-3'